The following is an entry in ClinVar:

ClinVar aggregate classification (germline): Uncertain significance (1 of 4 stars; one submission).

Conditions:
Immunodeficiency-centromeric instability-facial anomalies syndrome 2 (ICF2). Identifiers: Orphanet 2268, MedGen C3279748, MONDO:0013553, OMIM 614069.

Submission:

Labcorp Genetics (formerly Invitae), Labcorp
Classification: Uncertain significance for Immunodeficiency-centromeric instability-facial anomalies syndrome 2. Last evaluated: 2022-08-21. Review status: criteria provided, single submitter. Criteria: Invitae Variant Classification Sherloc (09022015). Collection method: clinical testing. Allele origin: germline.
Comment: This sequence change replaces glycine, which is neutral and non-polar, with arginine, which is basic and polar, at codon 548 of the ZBTB24 protein (p.Gly548Arg). This variant is not present in population databases (gnomAD no frequency). This variant has not been reported in the literature in individuals affected with ZBTB24-related conditions. Algorithms developed to predict the effect of missense changes on protein structure and function are either unavailable or do not agree on the potential impact of this missense change (SIFT: "Not Available"; PolyPhen-2: "Probably Damaging"; Align-GVGD: "Not Available"). In summary, the available evidence is currently insufficient to determine the role of this variant in disease. Therefore, it has been classified as a Variant of Uncertain Significance.

NM_014797.3(ZBTB24):c.1642G>C (p.Gly548Arg)

Gene: ZBTB24 (zinc finger and BTB domain containing 24; minus strand). Cytogenetic location: 6q21.
Variant type: single nucleotide variant.
Coding change: c.1642G>C on transcript NM_014797.3 (MANE Select); coding-DNA position 1642, G replaced by C.
Protein change: p.Gly548Arg; replaces glycine 548 with arginine.
Molecular consequence: missense variant.
Genome position (GRCh38, 1-based): chr6:109,466,303, C>G on the plus strand (G>C on the coding strand, the complement: ZBTB24 is on the minus strand). VCF-style: chr6-109466303-C-G. GRCh37 (hg19) VCF-style: chr6-109787506-C-G.
Other names: short protein forms G548R.
Identifiers: ClinVar variation 1717515 (VCV001717515.3), dbSNP rs1396364407, ClinGen allele CA365195985.
Genomic context (GRCh38, chr6:109,466,303, plus strand): 5'-CGGGCATGAAATTGATGTTATGTACAGAATCGGTTACGAGAAGCTGAATTTCCTGCTCTC[C>G]CGAGGTAGAGAGTTGATATGGCTGTAGCTGAAGAATATTCCTGACCTCTTCTGTATTACT-3'
Protein context (NP_055612.2, residues 538-558): QLQPYQLSTS[Gly548Arg]EQEIQLLVTD